The following is an entry in ClinVar:

NM_000071.3(CBS):c.1474C>T (p.Leu492Phe)

Gene: CBS (cystathionine beta-synthase; minus strand). Cytogenetic location: 21q22.3.
Variant type: single nucleotide variant.
Coding change: c.1474C>T on transcript NM_000071.3 (MANE Select); coding-DNA position 1474, C replaced by T.
Protein change: p.Leu492Phe; replaces leucine 492 with phenylalanine.
Molecular consequence: missense variant.
Genome position (GRCh38, 1-based): chr21:43,056,881, G>A on the plus strand (C>T on the coding strand, the complement: CBS is on the minus strand). VCF-style: chr21-43056881-G-A. GRCh37 (hg19) VCF-style: chr21-44476991-G-A.
Other names: c.1474C>T, p.Leu492Phe (NM_001178008.3, NM_001178009.3, NM_001320298.2); c.1159C>T, p.Leu387Phe (NM_001321072.1); short protein forms L387F, L492F.
Identifiers: ClinVar variation 3485697 (VCV003485697.4).
Genomic context (GRCh38, chr21:43,056,881, plus strand): 5'-CCACCAGGGCGAAGTGGTCCATCTCCAGGATGTGCGAGAGCCTGCCCAGCGTGTCCGTGA[G>A]GCGGATCTGCAAGGGAAGCGTGGTCAGTGGCAGGGGGAACATGGCCCCACGAGTTTTCTG-3'
Protein context (NP_000062.1, residues 482-502): VIYKQFKQIR[Leu492Phe]TDTLGRLSHI

ClinVar aggregate classification (germline): Uncertain significance. Review status: criteria provided, multiple submitters, no conflicts (2 of 4 stars). 3 submissions from 3 submitters: Uncertain significance (2). 1 of the submissions does not count toward it. Last evaluated 2024-10-29.

Conditions:
HYPERHOMOCYSTEINEMIA, THROMBOTIC, CBS-RELATED. Identifiers: MedGen C3150344, OMIM 236200.
Familial thoracic aortic aneurysm and aortic dissection (TAAD). Also called: Thoracic aortic aneurysms and dissections. Identifiers: Orphanet 91387, MedGen C4707243, MONDO:0019625.
Classic homocystinuria. Also called: Homocystinuria due to Cystathionine Beta-Synthase Deficiency; Homocystinuria due to CBS deficiency; Cystathionine beta-synthase deficiency; CBS deficiency; HOMOCYSTINURIA WITH OR WITHOUT RESPONSE TO PYRIDOXINE. Identifiers: Orphanet 394, MedGen C0751202, MONDO:0009352, OMIM 236200.

Submissions (3):

Labcorp Genetics (formerly Invitae), Labcorp
Classification: Uncertain significance for HYPERHOMOCYSTEINEMIA, THROMBOTIC, CBS-RELATED. Last evaluated: 2024-10-29. Review status: criteria provided, single submitter. Criteria: Invitae Variant Classification Sherloc (09022015). Collection method: clinical testing. Allele origin: germline.
Comment: This sequence change replaces leucine, which is neutral and non-polar, with phenylalanine, which is neutral and non-polar, at codon 492 of the CBS protein (p.Leu492Phe). This variant is not present in population databases (gnomAD no frequency). This variant has not been reported in the literature in individuals affected with CBS-related conditions. Invitae Evidence Modeling of protein sequence and biophysical properties (such as structural, functional, and spatial information, amino acid conservation, physicochemical variation, residue mobility, and thermodynamic stability) indicates that this missense variant is expected to disrupt CBS protein function with a positive predictive value of 95%. In summary, the available evidence is currently insufficient to determine the role of this variant in disease. Therefore, it has been classified as a Variant of Uncertain Significance.

Ambry Genetics
Classification: Uncertain significance for Familial thoracic aortic aneurysm and aortic dissection. Last evaluated: 2024-07-28. Review status: criteria provided, single submitter. Criteria: Ambry Variant Classification Scheme 2023. Collection method: clinical testing. Allele origin: germline.
Comment: The p.L492F variant (also known as c.1474C>T), located in coding exon 14 of the CBS gene, results from a C to T substitution at nucleotide position 1474. The leucine at codon 492 is replaced by phenylalanine, an amino acid with highly similar properties. This amino acid position is conserved. In addition, the in silico prediction for this alteration is inconclusive. Based on the available evidence, the clinical significance of this variant remains unclear.

Natera, Inc.
Classification: Uncertain significance for Homocystinuria due to cystathionine beta-synthase deficiency. Last evaluated: 2025-03-27. Review status: no assertion criteria provided. Collection method: clinical testing. Allele origin: germline. Not counted in ClinVar's aggregate classification.